The following is an entry in ClinVar:

NM_002430.3(MN1):c.3303C>T (p.Pro1101=)

Gene: MN1 (MN1 proto-oncogene, transcriptional regulator; minus strand). Cytogenetic location: 22q12.1.
Variant type: single nucleotide variant.
Coding change: c.3303C>T on transcript NM_002430.3 (MANE Select); coding-DNA position 3303, C replaced by T.
Protein change: p.Pro1101=; no amino-acid change (proline 1101 retained).
Molecular consequence: synonymous variant.
Genome position (GRCh38, 1-based): chr22:27,797,241, G>A on the plus strand (C>T on the coding strand, the complement: MN1 is on the minus strand). VCF-style: chr22-27797241-G-A. GRCh37 (hg19) VCF-style: chr22-28193229-G-A.
Identifiers: ClinVar variation 2653015 (VCV002653015.24), dbSNP rs1271436703, ClinGen allele CA514166619.

ClinVar aggregate classification (germline): Likely benign (1 of 4 stars; one submission).

gnomAD v4.1: 3 of 1,571,742 alleles (0.00019%); highest among the groups gnomAD compares: East Asian, 0.0023%; no homozygotes.

Submission:

CeGaT Center for Human Genetics Tuebingen
Classification: Likely benign. Last evaluated: 2022-08-01. Review status: criteria provided, single submitter. Criteria: CeGaT Center For Human Genetics Tuebingen Variant Classification Criteria Version 2. Collection method: clinical testing. Allele origin: germline. Affected: yes. Observed: 1 variant allele.
Comment: MN1: BP4, BP7